The following is an entry in ClinVar:

ClinVar aggregate classification (germline): Benign/Likely benign. Review status: criteria provided, multiple submitters, no conflicts (2 of 4 stars). 10 submissions from 10 submitters: Benign (7); Likely benign (3). Last evaluated 2026-09-01.

Conditions:
Early-infantile DEE. Also called: Early infantile epileptic encephalopathy; Early infantile epileptic encephalopathy with suppression bursts; Ohtahara syndrome. Identifiers: Orphanet 1934, MedGen C0393706, MONDO:0800491.
Inborn genetic diseases. Identifiers: MedGen C0950123, MeSH D030342.

Allele frequency attached by ClinVar (database versions not stated): gnomAD 0.00259 and 0.00264; ExAC 0.00288; 1000 Genomes Project 30x 0.00172; TOPMed 0.00226; 1000 Genomes Project 0.00160; ESP Exome Variant Server 0.00247.
gnomAD v4.1: 6,985 of 1,606,460 alleles (0.43%); highest among the groups gnomAD compares: Non-Finnish European, 0.51%; 17 homozygotes.

Submissions (10):

CeGaT Center for Human Genetics Tuebingen
Classification: Likely benign. Last evaluated: 2026-09-01. Review status: criteria provided, single submitter. Criteria: CeGaT Center For Human Genetics Tuebingen Variant Classification Criteria Version 2. Collection method: clinical testing. Allele origin: germline. Affected: yes. Observed: 30 variant alleles.
Comment: KCNQ2: BP4, BP7, BS2

Labcorp Genetics (formerly Invitae), Labcorp
Classification: Benign for Early-infantile DEE. Last evaluated: 2026-02-03. Review status: criteria provided, single submitter. Criteria: Invitae Variant Classification Sherloc (09022015). Collection method: clinical testing. Allele origin: germline.

ARUP Laboratories, Molecular Genetics and Genomics, ARUP Laboratories
Classification: Benign. Last evaluated: 2025-03-11. Review status: criteria provided, single submitter. Criteria: ARUP Molecular Germline Variant Investigation Process 2024. Collection method: clinical testing. Allele origin: germline.

Athena Diagnostics
Classification: Benign. Last evaluated: 2024-12-06. Review status: criteria provided, single submitter. Criteria: Athena Diagnostics Criteria. Collection method: clinical testing. Allele origin: unknown.
Comment: The frequency of this variant in the general population is higher than would generally be expected for pathogenic variants in this gene.

Blueprint Genetics
Classification: Benign. Last evaluated: 2024-11-27. Review status: criteria provided, single submitter. Criteria: ACMG Guidelines, 2015. Collection method: clinical testing. Allele origin: germline.

Ambry Genetics
Classification: Likely benign for Inborn genetic diseases. Last evaluated: 2016-06-16. Review status: criteria provided, single submitter. Criteria: Ambry Variant Classification Scheme 2023. Collection method: clinical testing. Allele origin: germline.

Eurofins Ntd Llc (ga)
Classification: Benign. Last evaluated: 2015-10-16. Review status: criteria provided, single submitter. Criteria: EGL Classification Definitions 2015. Collection method: clinical testing. Allele origin: germline. Observed: 1 variant allele, 1 heterozygote.

GeneDx
Classification: Benign. Last evaluated: 2013-09-30. Review status: criteria provided, single submitter. Criteria: GeneDx Variant Classification (06012015). Collection method: clinical testing. Allele origin: germline. Affected: yes.
Comment: This variant is considered likely benign or benign based on one or more of the following criteria: it is a conservative change, it occurs at a poorly conserved position in the protein, it is predicted to be benign by multiple in silico algorithms, and/or has population frequency not consistent with disease.

Breakthrough Genomics
Classification: Likely benign. Review status: criteria provided, single submitter. Criteria: ACMG Guidelines, 2015. Collection method: not provided. Allele origin: germline. Inheritance: Autosomal dominant inheritance. Affected: yes.

PreventionGenetics, part of Exact Sciences
Classification: Benign. Review status: criteria provided, single submitter. Criteria: ACMG Guidelines, 2015. Collection method: clinical testing. Allele origin: germline.

NM_172107.4(KCNQ2):c.2544G>A (p.Pro848=)

Gene: KCNQ2 (potassium voltage-gated channel subfamily Q member 2; minus strand). Cytogenetic location: 20q13.33.
Variant type: single nucleotide variant.
Coding change: c.2544G>A on transcript NM_172107.4 (MANE Select); coding-DNA position 2544, G replaced by A.
Protein change: p.Pro848=; no amino-acid change (proline 848 retained).
Molecular consequence: synonymous variant.
Genome position (GRCh38, 1-based): chr20:63,406,719, C>T on the plus strand (G>A on the coding strand, the complement: KCNQ2 is on the minus strand). VCF-style: chr20-63406719-C-T. GRCh37 (hg19) VCF-style: chr20-62038072-C-T.
Other names: p.P848P:CCG>CCA; c.2598G>A, p.Pro866= (NM_001382235.1); c.2487G>A, p.Pro829= (NM_001439003.1); c.2457G>A, p.Pro819= (NM_001439004.1); c.2460G>A, p.Pro820= (NM_004518.6); c.2490G>A, p.Pro830= (NM_172106.3); c.2451G>A, p.Pro817= (NM_172108.5).
Identifiers: ClinVar variation 138033 (VCV000138033.55), dbSNP rs147274045, ClinGen allele CA291818.